The following is an entry in ClinVar:

ClinVar aggregate classification (germline): Uncertain significance (1 of 4 stars; one submission).

gnomAD v4.1: 4 of 1,613,616 alleles (0.00025%); highest among the groups gnomAD compares: Non-Finnish European, 0.00034%; no homozygotes.

Submission:

Labcorp Genetics (formerly Invitae), Labcorp
Classification: Uncertain significance. Last evaluated: 2022-02-11. Review status: criteria provided, single submitter. Criteria: Invitae Variant Classification Sherloc (09022015). Collection method: clinical testing. Allele origin: germline.
Comment: This sequence change replaces tyrosine, which is neutral and polar, with cysteine, which is neutral and slightly polar, at codon 1469 of the CACNA1I protein (p.Tyr1469Cys). This variant is not present in population databases (gnomAD no frequency). This variant has not been reported in the literature in individuals affected with CACNA1I-related conditions. Algorithms developed to predict the effect of missense changes on protein structure and function are either unavailable or do not agree on the potential impact of this missense change (SIFT: "Deleterious"; PolyPhen-2: "Benign"; Align-GVGD: "Class C65"). In summary, the available evidence is currently insufficient to determine the role of this variant in disease. Therefore, it has been classified as a Variant of Uncertain Significance.

NM_021096.4(CACNA1I):c.4406A>G (p.Tyr1469Cys)

Gene: CACNA1I (calcium voltage-gated channel subunit alpha1 I; plus strand). Cytogenetic location: 22q13.1.
Variant type: single nucleotide variant.
Coding change: c.4406A>G on transcript NM_021096.4 (MANE Select); coding-DNA position 4406, A replaced by G.
Protein change: p.Tyr1469Cys; replaces tyrosine 1469 with cysteine.
Molecular consequence: missense variant.
Genome position (GRCh38, 1-based): chr22:39,670,821, A>G. VCF-style: chr22-39670821-A-G. GRCh37 (hg19) VCF-style: chr22-40066826-A-G.
Other names: c.4301A>G, p.Tyr1434Cys (NM_001003406.2); short protein forms Y1469C, Y1434C.
Identifiers: ClinVar variation 2059413 (VCV002059413.4), dbSNP rs1184025266, ClinGen allele CA411626955.